The following is an entry in ClinVar:

NM_033305.3(VPS13A):c.787G>T (p.Val263Leu)

Gene: VPS13A (vacuolar protein sorting 13 homolog A; plus strand). Cytogenetic location: 9q21.2.
Variant type: single nucleotide variant.
Coding change: c.787G>T on transcript NM_033305.3 (MANE Select); coding-DNA position 787, G replaced by T.
Protein change: p.Val263Leu; replaces valine 263 with leucine.
Molecular consequence: missense variant.
Genome position (GRCh38, 1-based): chr9:77,219,986, G>T. VCF-style: chr9-77219986-G-T. GRCh37 (hg19) VCF-style: chr9-79834902-G-T.
Other names: c.787G>T, p.Val263Leu (NM_001018037.2, NM_001018038.3, NM_015186.4); short protein forms V263L.
Identifiers: ClinVar variation 2079711 (VCV002079711.4), dbSNP rs372957084, ClinGen allele CA373843081.

ClinVar aggregate classification (germline): Uncertain significance (1 of 4 stars; one submission).

gnomAD v4.1: 1 of 1,613,262 alleles (0.000062%); highest among the groups gnomAD compares: African/African-American, 0.0013%; no homozygotes.

Submission:

Labcorp Genetics (formerly Invitae), Labcorp
Classification: Uncertain significance. Last evaluated: 2022-05-20. Review status: criteria provided, single submitter. Criteria: Invitae Variant Classification Sherloc (09022015). Collection method: clinical testing. Allele origin: germline.
Comment: In summary, the available evidence is currently insufficient to determine the role of this variant in disease. Therefore, it has been classified as a Variant of Uncertain Significance. Algorithms developed to predict the effect of missense changes on protein structure and function (SIFT, PolyPhen-2, Align-GVGD) all suggest that this variant is likely to be tolerated. This variant has not been reported in the literature in individuals affected with VPS13A-related conditions. This variant is not present in population databases (gnomAD no frequency). This sequence change replaces valine, which is neutral and non-polar, with leucine, which is neutral and non-polar, at codon 263 of the VPS13A protein (p.Val263Leu).